The following is an entry in ClinVar:

ClinVar aggregate classification (germline): Pathogenic/Likely pathogenic. Review status: criteria provided, multiple submitters, no conflicts (2 of 4 stars). 2 submissions from 2 submitters: Pathogenic (1); Likely pathogenic (1). Last evaluated 2026-03-23.

Conditions:
Familial episodic pain syndrome with predominantly lower limb involvement. Also called: Episodic pain syndrome, familial, 3. Identifiers: Orphanet 391384, Orphanet 391392, MedGen C3809899, MONDO:0014247, OMIM 615552.

Allele frequency attached by ClinVar (database versions not stated): TOPMed below 0.00001.
gnomAD v4.1: 1 of 1,613,728 alleles (0.000062%); highest among the groups gnomAD compares: Non-Finnish European, 0.000085%; no homozygotes.

Submissions (2):

GeneDx
Classification: Likely pathogenic. Last evaluated: 2026-03-23. Review status: criteria provided, single submitter. Criteria: GeneDx Variant Classification Process June 2021. Collection method: clinical testing. Allele origin: germline.
Comment: Published functional studies suggest a damaging effect where p.(R222S) leads to increased thermal, inflammatory, and visceral pain sensitivity, higher excitability of DRG neurons, and lower levels of gut neurotransmitters (PMID: 27224030, 35711274); In silico analysis supports that this missense variant has a deleterious effect on protein structure/function; Not observed at significant frequency in large population cohorts (gnomAD); This variant is associated with the following publications: (PMID: 32970203, 37151704, 27224030, 35711274, 30549873, 32132394, 38999942)

Institute of Human Genetics, University of Leipzig Medical Center
Classification: Pathogenic for Familial episodic pain syndrome with predominantly lower limb involvement. Last evaluated: 2023-07-04. Review status: criteria provided, single submitter. Criteria: ACMG Guidelines, 2015. Collection method: clinical testing. Allele origin: unknown. Inheritance: Autosomal dominant inheritance. Affected: yes.
Comment: Criteria applied: PS3,PS4_MOD,PM5,PM2_SUP,PP1,PP3,PP4

NM_001349253.2(SCN11A):c.664C>A (p.Arg222Ser)

Gene: SCN11A (sodium voltage-gated channel alpha subunit 11; minus strand). Cytogenetic location: 3p22.2.
Variant type: single nucleotide variant.
Coding change: c.664C>A on transcript NM_001349253.2 (MANE Select); coding-DNA position 664, C replaced by A.
Protein change: p.Arg222Ser; replaces arginine 222 with serine.
Molecular consequence: missense variant.
Genome position (GRCh38, 1-based): chr3:38,925,463, G>T on the plus strand (C>A on the coding strand, the complement: SCN11A is on the minus strand). VCF-style: chr3-38925463-G-T. GRCh37 (hg19) VCF-style: chr3-38966954-G-T.
Other names: c.664C>A, p.Arg222Ser (NM_014139.3); c.664C>A (NM_014139.2); short protein forms R222S.
Identifiers: ClinVar variation 2576562 (VCV002576562.4), dbSNP rs775199760, ClinGen allele CA352173334.